The following is an entry in ClinVar:

NM_030662.4(MAP2K2):c.303+8C>G

Gene: MAP2K2 (mitogen-activated protein kinase kinase 2; minus strand). Cytogenetic location: 19p13.3.
Variant type: single nucleotide variant.
Coding change: c.303+8C>G on transcript NM_030662.4 (MANE Select); 8 bases into the intron after coding-DNA position 303, C replaced by G.
Molecular consequence: intron variant.
Genome position (GRCh38, 1-based): chr19:4,117,411, G>C on the plus strand (C>G on the coding strand, the complement: MAP2K2 is on the minus strand). VCF-style: chr19-4117411-G-C. GRCh37 (hg19) VCF-style: chr19-4117409-G-C.
Other names: p.?.
Identifiers: ClinVar variation 177969 (VCV000177969.22), dbSNP rs199612401, ClinGen allele CA181090.

ClinVar aggregate classification (germline): Benign. Review status: reviewed by expert panel (3 of 4 stars). 9 submissions from 9 submitters: Benign (1). 8 of the submissions do not count toward it. Last evaluated 2017-05-09.

Conditions:
RASopathy. Also called: Noonan spectrum disorder; rasopathies. Identifiers: Orphanet 536391, MedGen C5555857, MONDO:0021060.
MAP2K2-related disorder. Also called: MAP2K2-related condition.
Cardiofaciocutaneous syndrome 4 (CFC4). Also called: MAP2K2-Related Cardiofaciocutaneous Syndrome. Identifiers: Orphanet 1340, MedGen C3809007, MONDO:0014114, OMIM 615280.

Allele frequency attached by ClinVar (database versions not stated): gnomAD exomes 0.00014; ExAC 0.00021; gnomAD 0.00050 and 0.00054; TOPMed 0.00055; 1000 Genomes Project 0.00060; 1000 Genomes Project 30x 0.00078; ESP Exome Variant Server 0.00115.
gnomAD v4.1: 137 of 1,611,286 alleles (0.0085%); highest among the groups gnomAD compares: African/African-American, 0.16%; no homozygotes.

Submissions (9):

ClinGen RASopathy Variant Curation Expert Panel
Classification: Benign for Noonan syndrome and Noonan-related syndrome. Last evaluated: 2017-05-09. Review status: reviewed by expert panel. Criteria: ClinGen RASopathy ACMG Specifications v1. Collection method: curation. Allele origin: germline. Inheritance: Autosomal dominant inheritance.
Comment: The filtering allele frequency of the c.303+8C>G variant in the MAP2K2 gene is 0.154% (22/9636) of African chromosomes by the Exome Aggregation Consortium, which is a high enough frequency to be classified as benign based on thresholds defined by the ClinGen RASopathy Expert Panel (BA1; PMID:29493581)

Labcorp Genetics (formerly Invitae), Labcorp
Classification: Benign for RASopathy. Last evaluated: 2025-12-09. Review status: criteria provided, single submitter. Criteria: Invitae Variant Classification Sherloc (09022015). Collection method: clinical testing. Allele origin: germline. Not counted in ClinVar's aggregate classification.

ARUP Laboratories, Molecular Genetics and Genomics, ARUP Laboratories
Classification: Benign for Cardiofaciocutaneous syndrome 4. Last evaluated: 2025-03-21. Review status: criteria provided, single submitter. Criteria: ARUP Molecular Germline Variant Investigation Process 2024. Collection method: clinical testing. Allele origin: germline. Not counted in ClinVar's aggregate classification.

Mayo Clinic Laboratories, Mayo Clinic
Classification: Benign. Last evaluated: 2023-10-13. Review status: criteria provided, single submitter. Criteria: ACMG Guidelines, 2015. Collection method: clinical testing. Allele origin: germline. Observed: 2 variant alleles. Not counted in ClinVar's aggregate classification.
Comment: BA1, BP4, BP7

Blueprint Genetics
Classification: Likely benign. Last evaluated: 2022-10-10. Review status: criteria provided, single submitter. Criteria: ACMG Guidelines, 2015. Collection method: clinical testing. Allele origin: germline. Not counted in ClinVar's aggregate classification.

Women's Health and Genetics/Laboratory Corporation of America, LabCorp
Classification: Benign. Last evaluated: 2016-10-10. Review status: criteria provided, single submitter. Criteria: LabCorp Variant Classification Summary - May 2015. Collection method: clinical testing. Allele origin: germline. Not counted in ClinVar's aggregate classification.
Comment: Variant summary: The MAP2K2 c.303+8C>G variant involves the alteration of a non-conserved intronic nucleotide with 3/5 splice prediction tools predict no significant impact on normal splicing and ESE finder predicts alterations to ESE binding, although these predictions have yet to be functionally assessed. The variant of interest was observed in the large, broad control population, ExAC, with an allele frequency of 24/115978 (1/4833), predominantly in the African cohort, 22/9636 (1/438), which exceeds the estimated maximal expected allele frequency for a pathogenic MAP2K2 variant of 1/400000. Therefore, suggesting the variant is a common polymorphism found in population(s) of African origin. In addition, the variant of interest has been cited by a clinical diagnostic laboratory as "benign." Therefore, the variant of interest has been classified as Benign.

GeneDx
Classification: Benign. Last evaluated: 2015-03-03. Review status: criteria provided, single submitter. Criteria: GeneDx Variant Classification Process June 2021. Collection method: clinical testing. Allele origin: germline. Affected: yes. Not counted in ClinVar's aggregate classification.

Laboratory for Molecular Medicine, Mass General Brigham Personalized Medicine
Classification: Benign. Last evaluated: 2014-07-24. Review status: criteria provided, single submitter. Criteria: LMM Criteria. Collection method: clinical testing. Allele origin: germline. Observed: 1 variant allele. Not counted in ClinVar's aggregate classification.
Comment: 303+8C>G in intron 2 of MEK2: This variant is not expected to have clinical sign ificance because it is not located within the splice consensus sequence and has been identified in 0.3% (15/4406) of African American chromosomes from a broad p opulation by the NHLBI Exome Sequencing Project (S).

PreventionGenetics, part of Exact Sciences
Classification: Benign for MAP2K2-related condition. Last evaluated: 2019-11-05. Review status: no assertion criteria provided. Collection method: clinical testing. Allele origin: germline. Not counted in ClinVar's aggregate classification.
Comment: This variant is classified as benign based on ACMG/AMP sequence variant interpretation guidelines (Richards et al. 2015 PMID: 25741868, with internal and published modifications).